The following is an entry in ClinVar:

NM_020937.4(FANCM):c.2705A>C (p.Asp902Ala)

Gene: FANCM (FA complementation group M; plus strand). Cytogenetic location: 14q21.2.
Variant type: single nucleotide variant.
Coding change: c.2705A>C on transcript NM_020937.4 (MANE Select); coding-DNA position 2705, A replaced by C.
Protein change: p.Asp902Ala; replaces aspartic acid 902 with alanine.
Molecular consequence: missense variant.
Genome position (GRCh38, 1-based): chr14:45,175,459, A>C. VCF-style: chr14-45175459-A-C. GRCh37 (hg19) VCF-style: chr14-45644662-A-C.
Other names: c.2627A>C, p.Asp876Ala (NM_001308133.2); short protein forms D876A, D902A.
Identifiers: ClinVar variation 2797832 (VCV002797832.3), dbSNP rs2503183335, ClinGen allele CA389598848.
Genomic context (GRCh38, chr14:45,175,459, plus strand): 5'-GAAATTCCACTGTTGAAAATATTTTTCAAGAAGACCTACCAAATGATAAAAGGACATCAG[A>C]TACAGATGAAATTGCTGCCACATGTACTATTAATGAAAATGTTATTAAAGAACCGTGTGT-3'
Protein context (NP_065988.1, residues 892-912): EDLPNDKRTS[Asp902Ala]TDEIAATCTI

ClinVar aggregate classification (germline): Uncertain significance (1 of 4 stars; one submission).

Conditions:
Fanconi anemia (FA). Also called: Fanconi's anemia. Identifiers: Orphanet 84, MedGen C0015625, MeSH D005199, MONDO:0019391.

Submission:

Labcorp Genetics (formerly Invitae), Labcorp
Classification: Uncertain significance for Fanconi anemia. Last evaluated: 2023-07-01. Review status: criteria provided, single submitter. Criteria: Invitae Variant Classification Sherloc (09022015). Collection method: clinical testing. Allele origin: germline.
Comment: This sequence change replaces aspartic acid, which is acidic and polar, with alanine, which is neutral and non-polar, at codon 902 of the FANCM protein (p.Asp902Ala). This variant is not present in population databases (gnomAD no frequency). This variant has not been reported in the literature in individuals affected with FANCM-related conditions. An algorithm developed to predict the effect of missense changes on protein structure and function (PolyPhen-2) suggests that this variant is likely to be tolerated. In summary, the available evidence is currently insufficient to determine the role of this variant in disease. Therefore, it has been classified as a Variant of Uncertain Significance.